The following is an entry in ClinVar:

ClinVar aggregate classification (germline): Uncertain significance. Review status: criteria provided, multiple submitters, no conflicts (2 of 4 stars). 2 submissions from 2 submitters: Uncertain significance (2). Last evaluated 2024-12-02.

Conditions:
Leber congenital amaurosis 6 (LCA6). Identifiers: Orphanet 65, MedGen C1854260, MONDO:0013446, OMIM 613826.
Cone-rod dystrophy 13 (CORD13). Identifiers: Orphanet 1872, MedGen C2750720, MONDO:0011987, OMIM 608194.

Allele frequency attached by ClinVar (database versions not stated): gnomAD exomes below 0.00001 and 0.00001; gnomAD 0.00002; TOPMed 0.00003.
gnomAD v4.1: 12 of 1,577,402 alleles (0.00076%); highest among the groups gnomAD compares: Admixed American, 0.0068%; no homozygotes.

Submissions (2):

Labcorp Genetics (formerly Invitae), Labcorp
Classification: Uncertain significance for Leber congenital amaurosis 6; Cone-rod dystrophy 13. Last evaluated: 2024-12-02. Review status: criteria provided, single submitter. Criteria: Invitae Variant Classification Sherloc (09022015). Collection method: clinical testing. Allele origin: germline.
Comment: This sequence change disrupts the translational stop signal of the RPGRIP1 mRNA. It is expected to extend the length of the RPGRIP1 protein by 21 additional amino acid residues. This variant is present in population databases (no rsID available, gnomAD no frequency). This variant has not been reported in the literature in individuals affected with RPGRIP1-related conditions. ClinVar contains an entry for this variant (Variation ID: 1424103). In summary, the available evidence is currently insufficient to determine the role of this variant in disease. Therefore, it has been classified as a Variant of Uncertain Significance.

Blueprint Genetics
Classification: Uncertain significance. Last evaluated: 2023-02-22. Review status: criteria provided, single submitter. Criteria: ACMG Guidelines, 2015. Collection method: clinical testing. Allele origin: germline.

NM_020366.4(RPGRIP1):c.3859T>C (p.Ter1287Arg)

Gene: RPGRIP1 (RPGR interacting protein 1; plus strand). Cytogenetic location: 14q11.2.
Variant type: single nucleotide variant.
Coding change: c.3859T>C on transcript NM_020366.4 (MANE Select); coding-DNA position 3859, T replaced by C.
Protein change: p.Ter1287Arg.
Molecular consequence: stop lost.
Genome position (GRCh38, 1-based): chr14:21,351,214, T>C. VCF-style: chr14-21351214-T-C. GRCh37 (hg19) VCF-style: chr14-21819373-T-C.
Other names: c.1837T>C, p.Ter613Arg (NM_001377523.1, NM_001377950.1); c.2785T>C, p.Ter929Arg (NM_001377948.1); c.1945T>C, p.Ter649Arg (NM_001377949.1); c.1342T>C, p.Ter448Arg (NM_001377951.1).
Identifiers: ClinVar variation 1424103 (VCV001424103.5), dbSNP rs1029178575, ClinGen allele CA257553680.